The following is an entry in ClinVar:

ClinVar aggregate classification (germline): Likely benign (0 of 4 stars; one submission).

Conditions:
DGKA-related disorder. Also called: DGKA-related condition.

Allele frequency attached by ClinVar (database versions not stated): 1000 Genomes Project 0.00280; ExAC 0.00280; 1000 Genomes Project 30x 0.00281; gnomAD 0.00311; ESP Exome Variant Server 0.00315; TOPMed 0.00339; gnomAD exomes 0.00413.
gnomAD v4.1: 6,486 of 1,613,882 alleles (0.4%); highest among the groups gnomAD compares: Admixed American, 0.55%; 21 homozygotes.

Submission:

PreventionGenetics, part of Exact Sciences
Classification: Likely benign for DGKA-related condition. Last evaluated: 2022-06-22. Review status: no assertion criteria provided. Collection method: clinical testing. Allele origin: germline.
Comment: This variant is classified as likely benign based on ACMG/AMP sequence variant interpretation guidelines (Richards et al. 2015 PMID: 25741868, with internal and published modifications).

NM_001345.5(DGKA):c.1561A>G (p.Ile521Val)

Gene: DGKA (diacylglycerol kinase alpha; plus strand). Cytogenetic location: 12q13.2.
Variant type: single nucleotide variant.
Coding change: c.1561A>G on transcript NM_001345.5 (MANE Select); coding-DNA position 1561, A replaced by G.
Protein change: p.Ile521Val; replaces isoleucine 521 with valine.
Molecular consequence: missense variant. On other transcripts: non-coding transcript variant (2).
Genome position (GRCh38, 1-based): chr12:55,951,757, A>G. VCF-style: chr12-55951757-A-G. GRCh37 (hg19) VCF-style: chr12-56345541-A-G.
Other names: c.1561A>G, p.Ile521Val (NM_001351033.2, NM_001351034.2, NM_001413596.1 and 5 more transcripts); c.1675A>G, p.Ile559Val (NM_001351035.1); c.1138A>G, p.Ile380Val (NM_001351036.2, NM_001351037.1); c.499A>G, p.Ile167Val (NM_001351038.2, NM_001351039.2, NM_001351040.2); c.1537A>G, p.Ile513Val (NM_001413599.1, NM_001413600.1, NM_001413601.1); c.1486A>G, p.Ile496Val (NM_001413602.1, NM_001413603.1); c.1378A>G, p.Ile460Val (NM_001413604.1); short protein forms I167V, I380V, I460V, I496V, I513V, I521V, I559V.
Identifiers: ClinVar variation 3042429 (VCV003042429.2), dbSNP rs61756279, ClinGen allele CA6619610.
Genomic context (GRCh38, chr12:55,951,757, plus strand): 5'-TCTGTGGAGGTGATACCTCAACAAACTGAAGAAAAAAGTGACCCAGTCCCCTTTCAAATC[A>G]TCAATAACTACTTCTCTATTGGCGTGGTCAGTGGAATGGGGCCTGGGGAGAAGGGAGAAA-3'
Protein context (NP_001336.2, residues 511-531): EKSDPVPFQI[Ile521Val]NNYFSIGVDA